The following is an entry in ClinVar:

NM_002227.4(JAK1):c.2997C>T (p.Tyr999=)

Gene: JAK1 (Janus kinase 1; minus strand). Cytogenetic location: 1p31.3.
Variant type: single nucleotide variant.
Coding change: c.2997C>T on transcript NM_002227.4 (MANE Select); coding-DNA position 2997, C replaced by T.
Protein change: p.Tyr999=; no amino-acid change (tyrosine 999 retained).
Molecular consequence: synonymous variant.
Genome position (GRCh38, 1-based): chr1:64,838,075, G>A on the plus strand (C>T on the coding strand, the complement: JAK1 is on the minus strand). VCF-style: chr1-64838075-G-A. GRCh37 (hg19) VCF-style: chr1-65303758-G-A.
Other names: c.2997C>T, p.Tyr999= (NM_001320923.2, NM_001321852.2, NM_001321853.2 and 3 more transcripts); c.2994C>T, p.Tyr998= (NM_001321857.2).
Identifiers: ClinVar variation 1662590 (VCV001662590.22), dbSNP rs1200704581, ClinGen allele CA418214996.

ClinVar aggregate classification (germline): Likely benign. Review status: criteria provided, multiple submitters, no conflicts (2 of 4 stars). 2 submissions from 2 submitters: Likely benign (2). Last evaluated 2025-09-22.

Allele frequency attached by ClinVar (database versions not stated): gnomAD exomes below 0.00001 and 0.00001; gnomAD 0.00001 and 0.00002; TOPMed 0.00002.
gnomAD v4.1: 15 of 1,613,952 alleles (0.00093%); highest among the groups gnomAD compares: African/African-American, 0.0067%; no homozygotes.

Submissions (2):

Labcorp Genetics (formerly Invitae), Labcorp
Classification: Likely benign. Last evaluated: 2025-09-22. Review status: criteria provided, single submitter. Criteria: Invitae Variant Classification Sherloc (09022015). Collection method: clinical testing. Allele origin: germline.

CeGaT Center for Human Genetics Tuebingen
Classification: Likely benign. Last evaluated: 2024-11-01. Review status: criteria provided, single submitter. Criteria: CeGaT Center For Human Genetics Tuebingen Variant Classification Criteria Version 2. Collection method: clinical testing. Allele origin: germline. Affected: yes. Observed: 1 variant allele.
Comment: JAK1: BP4, BP7